The following is an entry in ClinVar:

NM_001261826.3(AP3D1):c.2686C>G (p.Leu896Val)

Gene: AP3D1 (adaptor related protein complex 3 subunit delta 1; minus strand). Cytogenetic location: 19p13.3.
Variant type: single nucleotide variant.
Coding change: c.2686C>G on transcript NM_001261826.3 (MANE Select); coding-DNA position 2686, C replaced by G.
Protein change: p.Leu896Val; replaces leucine 896 with valine.
Molecular consequence: missense variant. On other transcripts: intron variant (2).
Genome position (GRCh38, 1-based): chr19:2,112,961, G>C on the plus strand (C>G on the coding strand, the complement: AP3D1 is on the minus strand). VCF-style: chr19-2112961-G-C. GRCh37 (hg19) VCF-style: chr19-2112960-G-C.
Other names: c.2602-1133C>G (NM_003938.8); c.2680-30C>G (NM_001374799.1); short protein forms L896V.
Identifiers: ClinVar variation 4733308 (VCV004733308.1).

ClinVar aggregate classification (germline): Uncertain significance (1 of 4 stars; one submission).

Submission:

Labcorp Genetics (formerly Invitae), Labcorp
Classification: Uncertain significance. Last evaluated: 2025-12-15. Review status: criteria provided, single submitter. Criteria: Invitae Variant Classification Sherloc (09022015). Collection method: clinical testing. Allele origin: germline.
Comment: This sequence change replaces leucine, which is neutral and non-polar, with valine, which is neutral and non-polar, at codon 896 of the AP3D1 protein (p.Leu896Val). This variant is not present in population databases (gnomAD no frequency). This variant has not been reported in the literature in individuals affected with AP3D1-related conditions. An algorithm developed to predict the effect of missense changes on protein structure and function (PolyPhen-2) suggests that this variant is likely to be tolerated. In summary, the available evidence is currently insufficient to determine the role of this variant in disease. Therefore, it has been classified as a Variant of Uncertain Significance.